The following is an entry in ClinVar:

NM_001127208.3(TET2):c.2381C>T (p.Ser794Leu)

Genes: TET2 (tet methylcytosine dioxygenase 2; plus strand), TET2-AS1 (TET2 antisense RNA 1; minus strand). Cytogenetic location: 4q24.
Variant type: single nucleotide variant.
Coding change: c.2381C>T on transcript NM_001127208.3 (MANE Select); coding-DNA position 2381, C replaced by T.
Protein change: p.Ser794Leu; replaces serine 794 with leucine.
Molecular consequence: missense variant.
Genome position (GRCh38, 1-based): chr4:105,236,323, C>T. VCF-style: chr4-105236323-C-T. GRCh37 (hg19) VCF-style: chr4-106157480-C-T.
Other names: c.2381C>T, p.Ser794Leu (NM_017628.4); short protein forms S794L.
Identifiers: ClinVar variation 3805971 (VCV003805971.1).
Genomic context (GRCh38, chr4:105,236,323, plus strand): 5'-CATTCTTTGGCCAGACTAAAGTGGAAGAATGTTTTCATGGTGAAAATCAGTATTCAAAAT[C>T]AAGCGAGTTCGAGACTCATAATGTCCAAATGGGACTGGAGGAAGTACAGAATATAAATCG-3'
Protein context (NP_001120680.1, residues 784-804): CFHGENQYSK[Ser794Leu]SEFETHNVQM

ClinVar aggregate classification (germline): Uncertain significance (1 of 4 stars; one submission).

gnomAD v4.1: 3 of 1,613,870 alleles (0.00019%); highest among the groups gnomAD compares: Non-Finnish European, 0.00025%; no homozygotes.

Submission:

Ambry Genetics
Classification: Uncertain significance. Last evaluated: 2025-01-17. Review status: criteria provided, single submitter. Criteria: Ambry Variant Classification Scheme 2023. Collection method: clinical testing. Allele origin: germline.
Comment: The p.S794L variant (also known as c.2381C>T), located in coding exon 1 of the TET2 gene, results from a C to T substitution at nucleotide position 2381. The serine at codon 794 is replaced by leucine, an amino acid with dissimilar properties. This amino acid position is conserved. In addition, this alteration is predicted to be tolerated by in silico analysis. Based on the available evidence, the clinical significance of this variant remains unclear.